The following is an entry in ClinVar:

ClinVar aggregate classification (germline): Conflicting classifications of pathogenicity. Review status: criteria provided, conflicting classifications (1 of 4 stars). 13 submissions from 13 submitters: Uncertain significance (10); Benign (1); Likely benign (1). 1 of the submissions does not count toward it. Last evaluated 2026-01-26.

Conditions:
PALB2-related disorder. Also called: PALB2-related condition; PALB2-related disorders.
Hereditary cancer-predisposing syndrome. Also called: Tumor predisposition; Neoplastic Syndromes, Hereditary; Hereditary neoplastic syndrome; Hereditary Cancer Syndrome. Identifiers: Orphanet 140162, MedGen C0027672, MeSH D009386, MONDO:0015356.
Familial cancer of breast. Also called: BREAST CANCER, FAMILIAL; Hereditary breast cancer; hereditary breast carcinoma. Identifiers: Orphanet 227535, MedGen C0346153, MONDO:0016419, OMIM 114480. Disease mechanism: loss of function.

Allele frequency attached by ClinVar (database versions not stated): TOPMed 0.00002; gnomAD 0.00004.

Submissions (13):

Labcorp Genetics (formerly Invitae), Labcorp
Classification: Uncertain significance for Familial cancer of breast. Last evaluated: 2026-01-26. Review status: criteria provided, single submitter. Criteria: Invitae Variant Classification Sherloc (09022015). Collection method: clinical testing. Allele origin: germline.
Comment: This sequence change replaces valine, which is neutral and non-polar, with isoleucine, which is neutral and non-polar, at codon 870 of the PALB2 protein (p.Val870Ile). This variant is present in population databases (rs376641234, gnomAD 0.05%). This missense change has been observed in individual(s) with ovarian, colorectal or an unspecified advanced cancer (PMID: 26315354, 28873162, 33298767). ClinVar contains an entry for this variant (Variation ID: 142746). Invitae Evidence Modeling of protein sequence and biophysical properties (such as structural, functional, and spatial information, amino acid conservation, physicochemical variation, residue mobility, and thermodynamic stability) indicates that this missense variant is not expected to disrupt PALB2 protein function with a negative predictive value of 80%. In summary, the available evidence is currently insufficient to determine the role of this variant in disease. Therefore, it has been classified as a Variant of Uncertain Significance.

PreventionGenetics, part of Exact Sciences
Classification: Uncertain significance for PALB2-related condition. Last evaluated: 2025-08-20. Review status: criteria provided, single submitter. Criteria: ACMG Guidelines, 2015. Collection method: clinical testing. Allele origin: germline.
Comment: The PALB2 c.2608G>A variant is predicted to result in the amino acid substitution p.Val870Ile. This variant was reported in individuals with ovarian cancer, unspecified advanced cancer, and a cohort of individuals being screened for cancer susceptibility (Ramus et al. 2015. PubMed ID: 26315354; Mandelker et al. 2017. PubMed ID: 28873162; Díaz-Velásquez et al. 2023. PubMed ID: 36845387). This variant is reported in 0.048% of alleles in individuals of Ashkenazi Jewish descent in gnomAD, and has conflicting interpretations in ClinVar ranging from benign to uncertain (Variation ID: 142746). At this time, the clinical significance of this variant is uncertain due to the absence of conclusive functional and genetic evidence.

Women's Health and Genetics/Laboratory Corporation of America, LabCorp
Classification: Uncertain significance. Last evaluated: 2025-01-06. Review status: criteria provided, single submitter. Criteria: LabCorp Variant Classification Summary - May 2015. Collection method: clinical testing. Allele origin: germline.
Comment: Variant summary: PALB2 c.2608G>A (p.Val870Ile) results in a conservative amino acid change located in the WD40 domain (IPR031920) of the encoded protein sequence. Four of five in-silico tools predict a benign effect of the variant on protein function. The variant allele was found at a frequency of 2.8e-05 in 251484 control chromosomes. The available data on variant occurrences in the general population are insufficient to allow any conclusion about variant significance. c.2608G>A has been reported in the literature in individuals affected with Breast Cancer but also in at-least three individuals from a general population (Ramus_2015, Marks_2021, Diaz-Velasquez_2023). These report(s) do not provide unequivocal conclusions about association of the variant with Breast Cancer. To our knowledge, no experimental evidence demonstrating an impact on protein function has been reported. The following publications have been ascertained in the context of this evaluation (PMID: 36845387, 33298767, 26315354). ClinVar contains an entry for this variant (Variation ID: 142746). Based on the evidence outlined above, the variant was classified as uncertain significance.

Ambry Genetics
Classification: Uncertain significance for Hereditary cancer-predisposing syndrome. Last evaluated: 2024-07-11. Review status: criteria provided, single submitter. Criteria: Ambry Variant Classification Scheme 2023. Collection method: clinical testing. Allele origin: germline.
Comment: The p.V870I variant (also known as c.2608G>A), located in coding exon 7 of the PALB2 gene, results from a G to A substitution at nucleotide position 2608. The valine at codon 870 is replaced by isoleucine, an amino acid with highly similar properties. In one study, this alteration was observed in 1/3,236 cases with invasive epithelial ovarian cancer and 0/3,431 controls (Ramus SJ et al. J. Natl. Cancer Inst., 2015 Nov;107). In another study, this variant was reported in 1/60,466 breast cancer cases and in 2/53,461 controls (Dorling et al. N Engl J Med 2021 02;384:428-439). This variant was identified in 3/341 Mexican women who identify as Ashkenazi Jewish (D&iacute;az-Vel&aacute;squez CE et al. Front Genet, 2023 Feb;14:1094260). This amino acid position is well conserved in available vertebrate species. In addition, this alteration is predicted to be tolerated by in silico analysis. Based on the available evidence, the clinical significance of this variant remains unclear.

GeneDx
Classification: Uncertain significance. Last evaluated: 2024-03-27. Review status: criteria provided, single submitter. Criteria: GeneDx Variant Classification Process June 2021. Collection method: clinical testing. Allele origin: germline. Affected: yes.
Comment: In silico analysis supports that this missense variant does not alter protein structure/function; This variant is associated with the following publications: (PMID: 28419882, 26315354, 29263802, 33471991, 33298767, 28873162, 24485656, 19609323, 20871615, 36845387)

Molecular Pathology, Peter Maccallum Cancer Centre
Classification: Uncertain significance for Familial cancer of breast. Last evaluated: 2024-01-09. Review status: criteria provided, single submitter. Criteria: ACMG Guidelines, 2015. Collection method: clinical testing. Allele origin: germline. Inheritance: Autosomal dominant inheritance.

Baylor Genetics
Classification: Uncertain significance for Familial cancer of breast. Last evaluated: 2023-07-18. Review status: criteria provided, single submitter. Criteria: ACMG Guidelines, 2015. Collection method: clinical testing. Allele origin: unknown.

Myriad Genetics, Inc.
Classification: Benign for Familial cancer of breast. Last evaluated: 2023-03-31. Review status: criteria provided, single submitter. Criteria: Myriad Autosomal Dominant, Autosomal Recessive and X-Linked Classification Criteria (2023). Collection method: clinical testing. Allele origin: unknown.
Comment: This variant is considered benign. This variant is strongly associated with less severe personal and family histories of cancer, typical for individuals without pathogenic variants in this gene [PMID: 25085752]. Homozygosity for this variant has been confirmed in one or more individuals lacking clinical features consistent with gene-specific recessive disease, indicating that this variant is unlikely to be pathogenic.

Sema4
Classification: Uncertain significance for Hereditary cancer-predisposing syndrome. Last evaluated: 2021-12-07. Review status: criteria provided, single submitter. Criteria: Sema4 Curation Guidelines. Collection method: curation. Allele origin: germline.
Comment: The PALB2 c.2608G>A (p.V870I) variant has been reported in at least one individual with ovarian cancer and in at least one individual with advanced cancer (PMID: 26315354, 28873162). It has been reported in a large case-control study of breast cancer in 1/60466 cases and in 2/53461 controls (PMID: 33471991). This variant was observed in 5/10370 chromosomes of the Ashkenazi Jewish subpopulation in the large and broad cohorts of the Genome Aggregation Database (PMID: 32461654) and has been reported in ClinVar (Variation ID: 142746). In silico tools suggest the impact of the variant on protein function is benign, though these predictions have not been confirmed by functional studies. The evidence is insufficient to meet ACMG/AMP criteria for classifying the variant as benign or pathogenic. Thus, the clinical significance of this variant is currently uncertain.

Mendelics
Classification: Uncertain significance for Familial cancer of breast. Last evaluated: 2019-05-28. Review status: criteria provided, single submitter. Criteria: Mendelics Assertion Criteria 2017. Collection method: clinical testing. Allele origin: unknown.

Genetic Services Laboratory, University of Chicago
Classification: Uncertain significance. Last evaluated: 2017-02-14. Review status: criteria provided, single submitter. Criteria: ACMG Guidelines, 2015. Collection method: clinical testing. Allele origin: germline. Affected: no.

Color Diagnostics, LLC DBA Color Health
Classification: Likely benign for Hereditary cancer-predisposing syndrome. Last evaluated: 2015-07-23. Review status: criteria provided, single submitter. Criteria: ACMG Guidelines, 2015. Collection method: clinical testing. Allele origin: germline.

Counsyl
Classification: Uncertain significance for Familial cancer of breast. Last evaluated: 2015-12-01. Review status: no assertion criteria provided. Collection method: clinical testing. Allele origin: unknown. Not counted in ClinVar's aggregate classification.

Literature cited by the submitters: PubMed 26315354 (cited by 5 submitters); PubMed 28873162 (cited by Labcorp Genetics (formerly Invitae), Labcorp and Sema4); PubMed 33298767 (cited by Labcorp Genetics (formerly Invitae), Labcorp and Women's Health and Genetics/Laboratory Corporation of America, LabCorp); PubMed 36845387 (cited by Women's Health and Genetics/Laboratory Corporation of America, LabCorp and Ambry Genetics); PubMed 33471991 (cited by Ambry Genetics and Sema4); PubMed 25085752 (cited by Myriad Genetics, Inc.).

NM_024675.4(PALB2):c.2608G>A (p.Val870Ile)

Gene: PALB2 (partner and localizer of BRCA2; minus strand). Cytogenetic location: 16p12.2.
Variant type: single nucleotide variant.
Coding change: c.2608G>A on transcript NM_024675.4 (MANE Select); coding-DNA position 2608, G replaced by A.
Protein change: p.Val870Ile; replaces valine 870 with isoleucine.
Molecular consequence: missense variant.
Genome position (GRCh38, 1-based): chr16:23,626,376, C>T on the plus strand (G>A on the coding strand, the complement: PALB2 is on the minus strand). VCF-style: chr16-23626376-C-T. GRCh37 (hg19) VCF-style: chr16-23637697-C-T.
Other names: p.V870I:GTA>ATA; short protein forms V870I.
Identifiers: ClinVar variation 142746 (VCV000142746.34), dbSNP rs376641234, ClinGen allele CA294480.